The following is an entry in ClinVar:

ClinVar aggregate classification (germline): Uncertain significance (1 of 4 stars; one submission).

Conditions:
Mosaic variegated aneuploidy syndrome 2 (MVA2). Identifiers: Orphanet 1052, MedGen C3279843, MONDO:0013582, OMIM 614114.

Submission:

Labcorp Genetics (formerly Invitae), Labcorp
Classification: Uncertain significance for Mosaic variegated aneuploidy syndrome 2. Last evaluated: 2017-12-20. Review status: criteria provided, single submitter. Criteria: Invitae Variant Classification Sherloc (09022015). Collection method: clinical testing. Allele origin: germline.
Comment: This sequence change replaces serine with phenylalanine at codon 353 of the CEP57 protein (p.Ser353Phe). The serine residue is moderately conserved and there is a large physicochemical difference between serine and phenylalanine. This variant is not present in population databases (ExAC no frequency). This variant has not been reported in the literature in individuals with CEP57-related disease. Algorithms developed to predict the effect of missense changes on protein structure and function do not agree on the potential impact of this missense change (SIFT: "Tolerated"; PolyPhen-2: "Probably Damaging"; Align-GVGD: "Class C0"). In summary, the available evidence is currently insufficient to determine the role of this variant in disease. Therefore, it has been classified as a Variant of Uncertain Significance.

NM_014679.5(CEP57):c.1058C>T (p.Ser353Phe)

Gene: CEP57 (centrosomal protein 57; plus strand). Cytogenetic location: 11q21.
Variant type: single nucleotide variant.
Coding change: c.1058C>T on transcript NM_014679.5 (MANE Select); coding-DNA position 1058, C replaced by T.
Protein change: p.Ser353Phe; replaces serine 353 with phenylalanine.
Molecular consequence: missense variant.
Genome position (GRCh38, 1-based): chr11:95,827,958, C>T. VCF-style: chr11-95827958-C-T. GRCh37 (hg19) VCF-style: chr11-95561122-C-T.
Other names: c.1031C>T, p.Ser344Phe (NM_001243776.2); c.980C>T, p.Ser327Phe (NM_001243777.2); c.977C>T, p.Ser326Phe (NM_001363604.2); short protein forms S353F, S326F, S327F, S344F.
Identifiers: ClinVar variation 539584 (VCV000539584.1), dbSNP rs1555053893, ClinGen allele CA382408334.
Genomic context (GRCh38, chr11:95,827,958, plus strand): 5'-CAAAGCAAGTATCTTCACGAGGTGGTAAAAGTAAGAAGTTGTCAGTAACACCTCCCTCCT[C>T]CAACGGTATTAATGAGGAGTTGTCAGAAGTCTTACAGACTTTACAGGATGAATTTGGGCA-3'
Protein context (NP_055494.2, residues 343-363): SKKLSVTPPS[Ser353Phe]NGINEELSEV